The following is an entry in ClinVar:

NM_172107.4(KCNQ2):c.1569_1581del (p.Cys523fs)

Gene: KCNQ2 (potassium voltage-gated channel subfamily Q member 2; minus strand). Cytogenetic location: 20q13.33.
Variant type: Deletion.
Coding change: c.1569_1581del on transcript NM_172107.4 (MANE Select); coding-DNA positions 1569 to 1581, 13 bases deleted (CCCCTGCGAGTTT).
Protein change: p.Cys523fs; shifts the reading frame from cysteine 523.
Molecular consequence: frameshift variant.
Genome position (GRCh38, 1-based): chr20:63,414,138-63,414,150, AAACTCGCAGGGG deleted on the plus strand (CCCCTGCGAGTTT on the coding strand, the reverse complement: KCNQ2 is on the minus strand). VCF-style (leftmost placement, unchanged base first): chr20-63414137-CAAACTCGCAGGGG-C. GRCh37 (hg19) VCF-style: chr20-62045490-CAAACTCGCAGGGG-C.
Other names: c.1485_1497del, p.Cys495fs (NM_004518.6); c.1515_1527del, p.Cys505fs (NM_172106.3); c.1476_1488del, p.Cys492fs (NM_172108.5); short protein forms C495fs, C523fs, C492fs, C505fs.
Identifiers: ClinVar variation 374999 (VCV000374999.2), dbSNP rs1555854036, ClinGen allele CA16043900.

ClinVar aggregate classification (germline): not provided (0 of 4 stars; one submission).

Conditions:
Seizures, benign familial neonatal, 1. Also called: KCNQ2-Related Benign Familial Neonatal Epilepsy; Benign Neonatal Epilepsy 1; KCNQ2-Related Self-Limited Familial Neonatal Epilepsy (SLFNE); Seizures, benign neonatal, 1. Identifiers: Orphanet 1949, MedGen C3149074, MONDO:0007365, OMIM 121200.

Submission:

GeneReviews
No classification provided. Condition: Seizures, benign familial neonatal, 1. Review status: no classification provided. Collection method: literature only. Allele origin: germline. Affected: yes.
Comment: BFNIS (benign familial neonatal-infantile seizures); 1/6 FS (febrile seizures) at 2 years.

Literature cited by the submitters: PubMed 9425895; NCBI Bookshelf NBK32534.